The following is an entry in ClinVar:

NM_017780.4(CHD7):c.8960_8962del (p.Gly2987del)

Gene: CHD7 (chromodomain helicase DNA binding protein 7; plus strand). Cytogenetic location: 8q12.2.
Variant type: Deletion.
Coding change: c.8960_8962del on transcript NM_017780.4 (MANE Select); coding-DNA positions 8960 to 8962, 3 bases deleted (GGG; older notation c.8960_8962delGGG).
Protein change: p.Gly2987del; deletes glycine 2987.
Molecular consequence: inframe deletion.
Genome position (GRCh38, 1-based): chr8:60,865,899-60,865,901, GGG deleted; deleting any 3 consecutive bases within chr8:60,865,895-60,865,901 gives the same sequence; the c. name uses the placement nearest the transcript's 3' end. VCF-style (leftmost placement, unchanged base first): chr8-60865894-TGGG-T. GRCh37 (hg19) VCF-style: chr8-61778453-TGGG-T.
Other names: c.2813_2815del, p.Gly938del (NM_001316690.1); short protein forms G2987del, G938del.
Identifiers: ClinVar variation 363488 (VCV000363488.6), dbSNP rs771806027, ClinGen allele CA10631393.
Genomic context (GRCh38, chr8:60,865,894, plus strand): 5'-TGCAGAGTCCTCCCTCTTAGAAGACGAAATAGCACAGGGTGAAGAGCTAGACTCACTTGA[TGGG>T]GGGGATGAAATAGAAAACAATGAAAATGATGAATAACCAGTACCAGTTCCAGTTCAAGTG-3'

ClinVar aggregate classification (germline): Uncertain significance (1 of 4 stars; one submission).

Submission:

GeneDx
Classification: Uncertain significance. Last evaluated: 2022-09-22. Review status: criteria provided, single submitter. Criteria: GeneDx Variant Classification Process June 2021. Collection method: clinical testing. Allele origin: germline. Affected: yes.
Comment: Not observed at significant frequency in large population cohorts (gnomAD); In-frame deletion of 1 amino acid in a non-repeat region; In silico analysis supports that this variant does not alter protein structure/function; Has not been previously published as pathogenic or benign to our knowledge